The following is an entry in ClinVar:

NM_000346.4(SOX9):c.1109C>T (p.Pro370Leu)

Gene: SOX9 (SRY-box transcription factor 9; plus strand). Cytogenetic location: 17q24.3.
Variant type: single nucleotide variant.
Coding change: c.1109C>T on transcript NM_000346.4 (MANE Select); coding-DNA position 1109, C replaced by T.
Protein change: p.Pro370Leu; replaces proline 370 with leucine.
Molecular consequence: missense variant.
Genome position (GRCh38, 1-based): chr17:72,123,966, C>T. VCF-style: chr17-72123966-C-T. GRCh37 (hg19) VCF-style: chr17-70120107-C-T.
Other names: c.1109C>T (NM_000346.3); short protein forms P370L.
Identifiers: ClinVar variation 1038484 (VCV001038484.10), dbSNP rs1908199604, ClinGen allele CA400867732.
Genomic context (GRCh38, chr17:72,123,966, plus strand): 5'-CACAGGCCCCGCCGGCCCCGCAGGCGCCCCCGCAGCCGCAGGCGGCGCCCCCACAGCAGC[C>T]GGCGGCACCCCCGCAGCAGCCACAGGCGCACACGCTGACCACGCTGAGCAGCGAGCCGGG-3'
Protein context (NP_000337.1, residues 360-380): PQPQAAPPQQ[Pro370Leu]AAPPQQPQAH

ClinVar aggregate classification (germline): Uncertain significance. Review status: criteria provided, multiple submitters, no conflicts (2 of 4 stars). 2 submissions from 2 submitters: Uncertain significance (2). Last evaluated 2025-08-05.

Conditions:
Inborn genetic diseases. Identifiers: MedGen C0950123, MeSH D030342.
Camptomelic dysplasia (CMPD). Also called: CMPD1/SRA1; Campomelic Dysplasia. Identifiers: Orphanet 140, MedGen C1861922, MONDO:0007251, OMIM 114290.

Allele frequency attached by ClinVar (database versions not stated): gnomAD 0.00001.
gnomAD v4.1: 5 of 1,473,574 alleles (0.00034%); highest among the groups gnomAD compares: Admixed American, 0.0021%; no homozygotes.

Submissions (2):

Ambry Genetics
Classification: Uncertain significance for Inborn genetic diseases. Last evaluated: 2025-08-05. Review status: criteria provided, single submitter. Criteria: Ambry Variant Classification Scheme 2023. Collection method: clinical testing. Allele origin: germline.

Labcorp Genetics (formerly Invitae), Labcorp
Classification: Uncertain significance for Camptomelic dysplasia. Last evaluated: 2020-07-30. Review status: criteria provided, single submitter. Criteria: Invitae Variant Classification Sherloc (09022015). Collection method: clinical testing. Allele origin: germline.
Comment: This variant has not been reported in the literature in individuals with SOX9-related conditions. This variant is not present in population databases (ExAC no frequency). This sequence change replaces proline with leucine at codon 370 of the SOX9 protein (p.Pro370Leu). The proline residue is weakly conserved and there is a moderate physicochemical difference between proline and leucine. Advanced modeling of protein sequence and biophysical properties (such as structural, functional, and spatial information, amino acid conservation, physicochemical variation, residue mobility, and thermodynamic stability) performed at Invitae indicates that this missense variant is not expected to disrupt SOX9 protein function. In summary, the available evidence is currently insufficient to determine the role of this variant in disease. Therefore, it has been classified as a Variant of Uncertain Significance.